The following is an entry in ClinVar:

ClinVar aggregate classification (germline): Uncertain significance. Review status: criteria provided, multiple submitters, no conflicts (2 of 4 stars). 2 submissions from 2 submitters: Uncertain significance (2). Last evaluated 2026-05-26.

Conditions:
Hereditary cancer-predisposing syndrome. Also called: Hereditary neoplastic syndrome; Tumor predisposition; Hereditary Cancer Syndrome; Neoplastic Syndromes, Hereditary. Identifiers: Orphanet 140162, MedGen C0027672, MeSH D009386, MONDO:0015356.
Neuroblastoma, susceptibility to, 3. Also called: ALK-Related Neuroblastic Tumor Susceptibility. Identifiers: Orphanet 635, MedGen C2751681, MONDO:0013083, OMIM 613014.

Submissions (2):

Ambry Genetics
Classification: Uncertain significance for Hereditary cancer-predisposing syndrome. Last evaluated: 2026-05-26. Review status: criteria provided, single submitter. Criteria: Ambry Variant Classification Scheme 2023. Collection method: clinical testing. Allele origin: germline.
Comment: The c.1201_1218dup18 variant (also known as p.R401_Y406dup), located in coding exon 5 of the ALK gene, results from an in-frame duplication of 18 nucleotides at nucleotide positions 1201 to 1218. This results in the duplication of 6 extra residues (RVALEY) between codons 401 and 406. This amino acid region is well conserved in available vertebrate species. In addition, the in silico prediction for this variant is inconclusive (Choi Y et al. PLoS ONE. 2012; 7(10):e46688). Based on the available evidence, the clinical significance of this variant remains unclear.

Fulgent Genetics
Classification: Uncertain significance for Neuroblastoma, susceptibility to, 3. Last evaluated: 2024-02-17. Review status: criteria provided, single submitter. Criteria: ACMG Guidelines, 2015. Collection method: clinical testing. Allele origin: germline.

NM_004304.5(ALK):c.1201_1218dup (p.Tyr406_Ile407insArgValAlaLeuGluTyr)

Gene: ALK (ALK receptor tyrosine kinase; minus strand). Cytogenetic location: 2p23.2.
Variant type: Duplication.
Coding change: c.1201_1218dup on transcript NM_004304.5 (MANE Select); coding-DNA positions 1201 to 1218, 18 bases duplicated (CGAGTGGCCCTGGAATAC).
Protein change: p.Tyr406_Ile407insArgValAlaLeuGluTyr.
Genome position (GRCh38, 1-based): chr2:29,383,796-29,383,813, GTATTCCAGGGCCACTCG duplicated on the plus strand (CGAGTGGCCCTGGAATAC on the coding strand, the reverse complement: ALK is on the minus strand). VCF-style (leftmost placement, unchanged base first): chr2-29383795-T-TGTATTCCAGGGCCACTCG. GRCh37 (hg19) VCF-style: chr2-29606661-T-TGTATTCCAGGGCCACTCG.
Other names: c.1201_1218dupCGAGTGGCCCTGGAATAC (NM_004304.4).
Identifiers: ClinVar variation 3586403 (VCV003586403.2).